The following is an entry in ClinVar:

NM_001282534.2(KCNK9):c.710C>A (p.Ala237Asp)

Gene: KCNK9 (potassium two pore domain channel subfamily K member 9; minus strand). Cytogenetic location: 8q24.3.
Variant type: single nucleotide variant.
Coding change: c.710C>A on transcript NM_001282534.2 (MANE Select); coding-DNA position 710, C replaced by A.
Protein change: p.Ala237Asp; replaces alanine 237 with aspartic acid.
Molecular consequence: missense variant. On other transcripts: non-coding transcript variant (1).
Genome position (GRCh38, 1-based): chr8:139,618,673, G>T on the plus strand (C>A on the coding strand, the complement: KCNK9 is on the minus strand). VCF-style: chr8-139618673-G-T. GRCh37 (hg19) VCF-style: chr8-140630916-G-T.
Other names: short protein forms A237D.
Identifiers: ClinVar variation 982629 (VCV000982629.4), dbSNP rs1814677892, ClinGen allele CA372734018.

ClinVar aggregate classification (germline): Likely pathogenic. Review status: criteria provided, single submitter (1 of 4 stars). 2 submissions from 2 submitters: Likely pathogenic (1). 1 of the submissions does not count toward it. Last evaluated 2019-01-01.

Conditions:
Birk-Barel syndrome. Also called: KCNK9 Imprinting Syndrome; MENTAL RETARDATION WITH HYPOTONIA AND FACIAL DYSMORPHISM. Identifiers: Orphanet 166108, MedGen C2676770, MONDO:0012856, OMIM 612292.

Submissions (2):

Institute of Human Genetics, University of Leipzig Medical Center
Classification: Likely pathogenic for Birk-Barel syndrome. Last evaluated: 2019-01-01. Review status: criteria provided, single submitter. Criteria: ACMG Guidelines, 2015. Collection method: clinical testing. Allele origin: de novo. Affected: yes.
Comment: This variant was identified as de novo.

OMIM
Classification: Pathogenic for BIRK-BAREL SYNDROME. Last evaluated: 2020-11-30. Review status: no assertion criteria provided. Collection method: literature only. Allele origin: germline. Not counted in ClinVar's aggregate classification.

Literature cited by the submitters: PubMed 30690205 (cited by OMIM).